The following is an entry in ClinVar:

NM_001378615.1(CC2D2A):c.4616_4618del (p.Gly1539del)

Genes: CC2D2A (coiled-coil and C2 domain containing 2A; plus strand), FBXL5 (F-box and leucine rich repeat protein 5; minus strand). Cytogenetic location: 4p15.32.
Variant type: Deletion.
Coding change: c.4616_4618del on transcript NM_001378615.1 (MANE Select); coding-DNA positions 4616 to 4618, 3 bases deleted (GAG; older notation c.4616_4618delGAG).
Protein change: p.Gly1539del; deletes glycine 1539.
Molecular consequence: inframe deletion.
Genome position (GRCh38, 1-based): chr4:15,599,648-15,599,650, GAG deleted; deleting any 3 consecutive bases within chr4:15,599,646-15,599,650 gives the same sequence; the c. name uses the placement nearest the transcript's 3' end. VCF-style (leftmost placement, unchanged base first): chr4-15599645-AAGG-A. GRCh37 (hg19) VCF-style: chr4-15601268-AAGG-A.
Other names: c.4616_4618delGAG (NM_001080522.2); c.4616_4618del, p.Gly1539del (NM_001080522.2); c.4469_4471del, p.Gly1490del (NM_001378617.1); short protein forms G1490del, G1539del.
Identifiers: ClinVar variation 4978144 (VCV004978144.1).

ClinVar aggregate classification (germline): Uncertain significance. Review status: criteria provided, multiple submitters, no conflicts (2 of 4 stars). 2 submissions from 2 submitters: Uncertain significance (2). Last evaluated 2026-06-08.

Conditions:
Joubert syndrome and related disorders. Identifiers: Orphanet 140874, MedGen C5679612, MONDO:0015369.
CC2D2A-related disorder. Also called: CC2D2A-related condition; CC2D2A-related disorders. Identifiers: MedGen CN239313.

Submissions (2):

PreventionGenetics, part of Exact Sciences
Classification: Uncertain significance for CC2D2A-related condition. Last evaluated: 2026-06-08. Review status: criteria provided, single submitter. Criteria: ACMG Guidelines, 2015. Collection method: clinical testing. Allele origin: germline.
Comment: The CC2D2A c.4616_4618delGAG variant is predicted to result in an in-frame deletion (p.Gly1539del). To our knowledge, this variant has not been reported in the literature. This variant is reported in 0.039% of alleles in individuals of European (Non-Finnish) descent in gnomAD. At this time, the clinical significance of this variant is uncertain due to the absence of conclusive functional and genetic evidence.

Myriad Genetics, Inc.
Classification: Uncertain significance for Joubert syndrome and related disorders. Last evaluated: 2026-04-22. Review status: criteria provided, single submitter. Criteria: Myriad Autosomal Dominant, Autosomal Recessive and X-Linked Classification Criteria (2023). Collection method: clinical testing. Allele origin: unknown.
Comment: NM_001080522.2(CC2D2A):c.4616_4618delGAG(G1539del) is an in-frame deletion classified as a variant of uncertain significance in the context of CC2D2A-related disorders. G1539del has not been observed in cases with relevant disease. Relevant functional assessments of this variant are not available in the literature. G1539del has been observed in referenced population frequency databases. In summary, there is insufficient evidence to classify NM_001080522.2(CC2D2A):c.4616_4618delGAG(G1539del) as pathogenic or benign. Please note: this variant was assessed in the context of healthy population screening.